The following is an entry in ClinVar:

NM_004655.4(AXIN2):c.1629C>T (p.Cys543=)

Gene: AXIN2 (axin 2; minus strand). Cytogenetic location: 17q24.1.
Variant type: single nucleotide variant.
Coding change: c.1629C>T on transcript NM_004655.4 (MANE Select); coding-DNA position 1629, C replaced by T.
Protein change: p.Cys543=; no amino-acid change (cysteine 543 retained).
Molecular consequence: synonymous variant.
Genome position (GRCh38, 1-based): chr17:65,537,407, G>A on the plus strand (C>T on the coding strand, the complement: AXIN2 is on the minus strand). VCF-style: chr17-65537407-G-A. GRCh37 (hg19) VCF-style: chr17-63533525-G-A.
Other names: c.1629C>T, p.Cys543= (NM_001363813.1); c.1629C>T (LRG_296t1).
Identifiers: ClinVar variation 533244 (VCV000533244.17), dbSNP rs1555577636, ClinGen allele CA501691150.

ClinVar aggregate classification (germline): Benign/Likely benign. Review status: criteria provided, multiple submitters, no conflicts (2 of 4 stars). 4 submissions from 4 submitters: Benign (1); Likely benign (2). 1 of the submissions does not count toward it. Last evaluated 2025-09-13.

Conditions:
AXIN2-related disorder.
Hereditary cancer-predisposing syndrome. Also called: Hereditary neoplastic syndrome; Neoplastic Syndromes, Hereditary; Tumor predisposition; Hereditary Cancer Syndrome. Identifiers: Orphanet 140162, MedGen C0027672, MeSH D009386, MONDO:0015356.
Oligodontia-cancer predisposition syndrome. Also called: TOOTH AGENESIS-COLORECTAL CANCER SYNDROME. Identifiers: Orphanet 300576, MedGen C1837750, MONDO:0012075, OMIM 608615. Disease mechanism: loss of function.

Allele frequency attached by ClinVar (database versions not stated): TOPMed below 0.00001.

Submissions (4):

Labcorp Genetics (formerly Invitae), Labcorp
Classification: Likely benign for Oligodontia-cancer predisposition syndrome. Last evaluated: 2025-09-13. Review status: criteria provided, single submitter. Criteria: Invitae Variant Classification Sherloc (09022015). Collection method: clinical testing. Allele origin: germline.

Myriad Genetics, Inc.
Classification: Benign for Oligodontia-cancer predisposition syndrome. Last evaluated: 2024-07-05. Review status: criteria provided, single submitter. Criteria: Myriad Autosomal Dominant, Autosomal Recessive and X-Linked Classification Criteria (2023). Collection method: clinical testing. Allele origin: unknown.
Comment: This variant is considered benign. This variant is a silent/synonymous amino acid change and it is not expected to impact splicing.

Ambry Genetics
Classification: Likely benign for Hereditary cancer-predisposing syndrome. Last evaluated: 2021-05-26. Review status: criteria provided, single submitter. Criteria: Ambry Variant Classification Scheme 2023. Collection method: clinical testing. Allele origin: germline.

PreventionGenetics, part of Exact Sciences
Classification: Likely benign for AXIN2-related condition. Last evaluated: 2024-06-10. Review status: no assertion criteria provided. Collection method: clinical testing. Allele origin: germline. Not counted in ClinVar's aggregate classification.
Comment: This variant is classified as likely benign based on ACMG/AMP sequence variant interpretation guidelines (Richards et al. 2015 PMID: 25741868, with internal and published modifications).